The following is an entry in ClinVar:

NM_005639.3(SYT1):c.244A>T (p.Lys82Ter)

Gene: SYT1 (synaptotagmin 1; plus strand). Cytogenetic location: 12q21.2.
Variant type: single nucleotide variant.
Coding change: c.244A>T on transcript NM_005639.3 (MANE Select); coding-DNA position 244, A replaced by T.
Protein change: p.Lys82Ter; replaces lysine 82 with a stop codon.
Molecular consequence: nonsense.
Genome position (GRCh38, 1-based): chr12:79,285,864, A>T. VCF-style: chr12-79285864-A-T. GRCh37 (hg19) VCF-style: chr12-79679644-A-T.
Other names: c.244A>T, p.Lys82Ter (NM_001135805.2, NM_001135806.2, NM_001291901.2 and 6 more transcripts); short protein forms K82*.
Identifiers: ClinVar variation 3358995 (VCV003358995.3).

ClinVar aggregate classification (germline): Uncertain significance (1 of 4 stars; one submission).

Conditions:
Infantile hypotonia-oculomotor anomalies-hyperkinetic movements-developmental delay syndrome. Also called: BAKER-GORDON SYNDROME; NEURODEVELOPMENTAL DISORDER WITH INVOLUNTARY MOVEMENT AND ABNORMAL ELECTROENCEPHALOGRAM. Identifiers: Orphanet 522077, MedGen C4748715, MONDO:0033864, OMIM 618218.

Submission:

Institute of Human Genetics, University of Leipzig Medical Center
Classification: Uncertain significance for Infantile hypotonia-oculomotor anomalies-hyperkinetic movements-developmental delay syndrome. Last evaluated: 2025-03-04. Review status: criteria provided, single submitter. Criteria: ACMG Guidelines, 2015. Collection method: clinical testing. Allele origin: unknown. Inheritance: Autosomal dominant inheritance. Affected: yes.
Comment: Criteria applied: PVS1_MOD,PM2